The following is an entry in ClinVar:

ClinVar aggregate classification (germline): Uncertain significance (1 of 4 stars; one submission).

Conditions:
Congenital myopathy with internal nuclei and atypical cores. Also called: Myopathy, centronuclear, 4. Identifiers: Orphanet 319160, MedGen C4707232, MONDO:0013890, OMIM 614807.

Allele frequency attached by ClinVar (database versions not stated): gnomAD exomes below 0.00001 and 0.00001; ExAC 0.00001; gnomAD 0.00001; TOPMed 0.00002.
gnomAD v4.1: 7 of 1,612,410 alleles (0.00043%); highest among the groups gnomAD compares: Admixed American, 0.005%; no homozygotes.

Submission:

Labcorp Genetics (formerly Invitae), Labcorp
Classification: Uncertain significance for Congenital myopathy with internal nuclei and atypical cores. Last evaluated: 2023-09-01. Review status: criteria provided, single submitter. Criteria: Invitae Variant Classification Sherloc (09022015). Collection method: clinical testing. Allele origin: germline.
Comment: Algorithms developed to predict the effect of sequence changes on RNA splicing suggest that this variant may create or strengthen a splice site. In summary, the available evidence is currently insufficient to determine the role of this variant in disease. Therefore, it has been classified as a Variant of Uncertain Significance. ClinVar contains an entry for this variant (Variation ID: 1423930). This variant has not been reported in the literature in individuals affected with CCDC78-related conditions. This variant is present in population databases (rs751070375, gnomAD 0.002%). This sequence change falls in intron 4 of the CCDC78 gene. It does not directly change the encoded amino acid sequence of the CCDC78 protein.

NM_001378030.1(CCDC78):c.435+7A>G

Gene: CCDC78 (coiled-coil domain containing 78; minus strand). Cytogenetic location: 16p13.3.
Variant type: single nucleotide variant.
Coding change: c.435+7A>G on transcript NM_001378030.1 (MANE Select); 7 bases into the intron after coding-DNA position 435, A replaced by G.
Molecular consequence: intron variant.
Genome position (GRCh38, 1-based): chr16:725,406, T>C on the plus strand (A>G on the coding strand, the complement: CCDC78 is on the minus strand). VCF-style: chr16-725406-T-C. GRCh37 (hg19) VCF-style: chr16-775406-T-C.
Other names: c.-18-113A>G (NM_001378033.1); c.435+7A>G (NM_001378031.1, NM_001031737.3).
Identifiers: ClinVar variation 1423930 (VCV001423930.8), dbSNP rs751070375, ClinGen allele CA7789619.